The following is an entry in ClinVar:

ClinVar aggregate classification (germline): Likely benign (1 of 4 stars; one submission).

Allele frequency attached by ClinVar (database versions not stated): 1000 Genomes Project 0.00140; 1000 Genomes Project 30x 0.00172; ESP Exome Variant Server 0.00324; ExAC 0.00570.
gnomAD v4.1: 6,539 of 1,613,478 alleles (0.41%); highest among the groups gnomAD compares: South Asian, 0.83%; 42 homozygotes.

Submissions (2):

CeGaT Center for Human Genetics Tuebingen
Classification: Likely benign. Last evaluated: 2024-07-01. Review status: criteria provided, single submitter. Criteria: CeGaT Center For Human Genetics Tuebingen Variant Classification Criteria Version 2. Collection method: clinical testing. Allele origin: germline. Affected: yes. Observed: 2 variant alleles.
Comment: SEPTIN10: BS2

Dr. Peter K. Rogan Lab, Western University
No classification provided (evidence only). Condition: Malignant tumor of urinary bladder. Review status: no classification provided. Collection method: in vitro. Allele origin: not applicable. Functional consequence: retained intron. Not counted in ClinVar's aggregate classification.

NM_144710.5(SEPTIN10):c.133G>A (p.Gly45Ser)

Genes: RANBP2 (RAN binding protein 2; plus strand), SEPTIN10 (septin 10; minus strand). Cytogenetic location: 2q13.
Variant type: single nucleotide variant.
Coding change: c.133G>A on transcript NM_144710.5 (MANE Select); coding-DNA position 133, G replaced by A.
Protein change: p.Gly45Ser; replaces glycine 45 with serine.
Molecular consequence: missense variant. On other transcripts: intron variant (10).
Genome position (GRCh38, 1-based): chr2:109,585,805, C>T on the plus strand (G>A on the coding strand, the complement: SEPTIN10 is on the minus strand). VCF-style: chr2-109585805-C-T. GRCh37 (hg19) VCF-style: chr2-110343382-C-T.
Other names: NC_000002.11:g.110343382C>T; c.133G>A, p.Gly45Ser (NM_001321498.2, NM_001321512.2); c.64G>A, p.Gly22Ser (NM_001321500.2, NM_001321502.2, NM_178584.4); c.7G>A, p.Gly3Ser (NM_001321501.2, NM_001321509.2); c.106G>A, p.Gly36Ser (NM_001321513.2); c.88G>A, p.Gly30Ser (NM_001321514.2); c.37G>A, p.Gly13Ser (NM_001321515.2); c.31-17829G>A (NM_001321503.2, NM_001321506.2, NM_001321511.2); and 3 more; short protein forms G13S, G22S, G30S, G36S, G3S, G45S.
Identifiers: ClinVar variation 2651261 (VCV002651261.25), dbSNP rs199941021, ClinGen allele CA1826412.